The following is an entry in ClinVar:

ClinVar aggregate classification (germline): Uncertain significance (1 of 4 stars; one submission).

Allele frequency attached by ClinVar (database versions not stated): gnomAD exomes below 0.00001; ExAC 0.00002.
gnomAD v4.1: 1 of 1,602,084 alleles (0.000062%); highest among the groups gnomAD compares: South Asian, 0.0011%; no homozygotes.

Submission:

Labcorp Genetics (formerly Invitae), Labcorp
Classification: Uncertain significance. Last evaluated: 2024-12-09. Review status: criteria provided, single submitter. Criteria: Invitae Variant Classification Sherloc (09022015). Collection method: clinical testing. Allele origin: germline.
Comment: This sequence change replaces glutamine, which is neutral and polar, with lysine, which is basic and polar, at codon 1526 of the LAMC3 protein (p.Gln1526Lys). The frequency data for this variant in the population databases is considered unreliable, as metrics indicate poor data quality at this position in the gnomAD database. This variant has not been reported in the literature in individuals affected with LAMC3-related conditions. ClinVar contains an entry for this variant (Variation ID: 1714340). An algorithm developed to predict the effect of missense changes on protein structure and function (PolyPhen-2) suggests that this variant is likely to be tolerated. In summary, the available evidence is currently insufficient to determine the role of this variant in disease. Therefore, it has been classified as a Variant of Uncertain Significance.

NM_006059.4(LAMC3):c.4576C>A (p.Gln1526Lys)

Gene: LAMC3 (laminin subunit gamma 3; plus strand). Cytogenetic location: 9q34.12.
Variant type: single nucleotide variant.
Coding change: c.4576C>A on transcript NM_006059.4 (MANE Select); coding-DNA position 4576, C replaced by A.
Protein change: p.Gln1526Lys; replaces glutamine 1526 with lysine.
Molecular consequence: missense variant.
Genome position (GRCh38, 1-based): chr9:131,091,635, C>A. VCF-style: chr9-131091635-C-A. GRCh37 (hg19) VCF-style: chr9-133967022-C-A.
Other names: short protein forms Q1526K.
Identifiers: ClinVar variation 1714340 (VCV001714340.5), dbSNP rs772149233, ClinGen allele CA5288224.